The following is an entry in ClinVar:

ClinVar aggregate classification (germline): Uncertain significance (1 of 4 stars; one submission).

Allele frequency attached by ClinVar (database versions not stated): gnomAD 0.00001; gnomAD exomes 0.00001; TOPMed 0.00002; ExAC 0.00003.
gnomAD v4.1: 26 of 1,602,616 alleles (0.0016%); highest among the groups gnomAD compares: South Asian, 0.0055%; no homozygotes.

Submission:

Labcorp Genetics (formerly Invitae), Labcorp
Classification: Uncertain significance. Last evaluated: 2025-04-13. Review status: criteria provided, single submitter. Criteria: Invitae Variant Classification Sherloc (09022015). Collection method: clinical testing. Allele origin: germline.
Comment: This sequence change replaces arginine, which is basic and polar, with histidine, which is basic and polar, at codon 429 of the POLE2 protein (p.Arg429His). This variant is present in population databases (rs772123320, gnomAD 0.01%). This variant has not been reported in the literature in individuals affected with POLE2-related conditions. ClinVar contains an entry for this variant (Variation ID: 2190623). An algorithm developed to predict the effect of missense changes on protein structure and function outputs the following: PolyPhen-2: "Benign". The histidine amino acid residue is found in multiple mammalian species, which suggests that this missense change does not adversely affect protein function. In summary, the available evidence is currently insufficient to determine the role of this variant in disease. Therefore, it has been classified as a Variant of Uncertain Significance.

NM_002692.4(POLE2):c.1286G>A (p.Arg429His)

Gene: POLE2 (DNA polymerase epsilon 2, accessory subunit; minus strand). Cytogenetic location: 14q21.3.
Variant type: single nucleotide variant.
Coding change: c.1286G>A on transcript NM_002692.4 (MANE Select); coding-DNA position 1286, G replaced by A.
Protein change: p.Arg429His; replaces arginine 429 with histidine.
Molecular consequence: missense variant.
Genome position (GRCh38, 1-based): chr14:49,651,303, C>T on the plus strand (G>A on the coding strand, the complement: POLE2 is on the minus strand). VCF-style: chr14-49651303-C-T. GRCh37 (hg19) VCF-style: chr14-50118021-C-T.
Other names: c.1208G>A, p.Arg403His (NM_001197330.2); c.1286G>A, p.Arg429His (NM_001197331.3); c.1283G>A, p.Arg428His (NM_001348384.2); c.1055G>A, p.Arg352His (NM_001348385.2); short protein forms R403H, R428H, R352H, R429H.
Identifiers: ClinVar variation 2190623 (VCV002190623.4), dbSNP rs772123320, ClinGen allele CA7173321.